The following is an entry in ClinVar:

NM_001348323.3(TRIP12):c.5429C>T (p.Ser1810Leu)

Gene: TRIP12 (thyroid hormone receptor interactor 12; minus strand). Cytogenetic location: 2q36.3.
Variant type: single nucleotide variant.
Coding change: c.5429C>T on transcript NM_001348323.3 (MANE Select); coding-DNA position 5429, C replaced by T.
Protein change: p.Ser1810Leu; replaces serine 1810 with leucine.
Molecular consequence: missense variant.
Genome position (GRCh38, 1-based): chr2:229,777,415, G>A on the plus strand (C>T on the coding strand, the complement: TRIP12 is on the minus strand). VCF-style: chr2-229777415-G-A. GRCh37 (hg19) VCF-style: chr2-230642131-G-A.
Other names: c.5348C>T, p.Ser1783Leu (NM_001284214.2, NM_001348315.2); c.5303C>T, p.Ser1768Leu (NM_001284215.2, NM_001348316.2); c.4394C>T, p.Ser1465Leu (NM_001284216.2); c.5288C>T, p.Ser1763Leu (NM_001348317.1, NM_001348318.2); c.5414C>T, p.Ser1805Leu (NM_001348319.1, NM_001348320.2); c.5417C>T, p.Ser1806Leu (NM_001348321.1); c.5429C>T, p.Ser1810Leu (NM_001348322.1, NM_001348324.2, NM_001348325.2 and 2 more transcripts); c.5432C>T, p.Ser1811Leu (NM_001348328.1, NM_001348329.2, NM_001348330.2); and 4 more; short protein forms S1763L, S1768L, S1465L, S1736L, S1805L, S1811L, S1735L, S1783L.
Identifiers: ClinVar variation 1031395 (VCV001031395.1), dbSNP rs2036612429, ClinGen allele CA350886424.

ClinVar aggregate classification (germline): Uncertain significance (1 of 4 stars; one submission).

Conditions:
Clark-Baraitser syndrome. Also called: BARAITSER SYNDROME; Mental retardation, tall stature, obesity, macrocephaly and typical facial features; Intellectual disability, autosomal dominant 49; MENTAL RETARDATION, AUTOSOMAL DOMINANT 49. Identifiers: Orphanet 600731, MedGen C2931130, MONDO:0030914, OMIM 617752.

Submission:

Baylor Genetics
Classification: Uncertain significance for Clark-Baraitser syndrome. Last evaluated: 2018-03-22. Review status: criteria provided, single submitter. Criteria: ACMG Guidelines, 2015. Collection method: clinical testing. Allele origin: maternal. Affected: yes.
Comment: This variant was determined to be of uncertain significance according to ACMG Guidelines, 2015 [PMID:25741868].